The following is an entry in ClinVar:

ClinVar aggregate classification (germline): Uncertain significance (1 of 4 stars; one submission).

Submission:

Ambry Genetics
Classification: Uncertain significance. Last evaluated: 2025-03-16. Review status: criteria provided, single submitter. Criteria: Ambry Variant Classification Scheme 2023. Collection method: clinical testing. Allele origin: germline.
Comment: The p.T377I variant (also known as c.1130C>T), located in coding exon 1 of the MLH3 gene, results from a C to T substitution at nucleotide position 1130. The threonine at codon 377 is replaced by isoleucine, an amino acid with similar properties. This amino acid position is conserved. In addition, this alteration is predicted to be tolerated by in silico analysis. Based on the available evidence, the clinical significance of this variant remains unclear.

NM_001040108.2(MLH3):c.1130C>T (p.Thr377Ile)

Gene: MLH3 (mutL homolog 3; minus strand). Cytogenetic location: 14q24.3.
Variant type: single nucleotide variant.
Coding change: c.1130C>T on transcript NM_001040108.2 (MANE Select); coding-DNA position 1130, C replaced by T.
Protein change: p.Thr377Ile; replaces threonine 377 with isoleucine.
Molecular consequence: missense variant.
Genome position (GRCh38, 1-based): chr14:75,048,526, G>A on the plus strand (C>T on the coding strand, the complement: MLH3 is on the minus strand). VCF-style: chr14-75048526-G-A. GRCh37 (hg19) VCF-style: chr14-75515229-G-A.
Other names: c.1130C>T, p.Thr377Ile (NM_014381.3); short protein forms T377I.
Identifiers: ClinVar variation 4055448 (VCV004055448.1).